The following is an entry in ClinVar:

NM_007078.3(LDB3):c.845C>T (p.Thr282Met)

Gene: LDB3 (LIM domain binding 3; plus strand). Cytogenetic location: 10q23.2.
Variant type: single nucleotide variant.
Coding change: c.845C>T on transcript NM_007078.3 (MANE Select); coding-DNA position 845, C replaced by T.
Protein change: p.Thr282Met; replaces threonine 282 with methionine.
Molecular consequence: missense variant.
Genome position (GRCh38, 1-based): chr10:86,692,051, C>T. VCF-style: chr10-86692051-C-T. GRCh37 (hg19) VCF-style: chr10-88451808-C-T.
Other names: c.704C>T, p.Thr235Met (NM_001080114.2, NM_001080116.1, NM_001368066.1 and 2 more transcripts); c.845C>T, p.Thr282Met (NM_001080115.2, NM_001368063.1, NM_001368064.1 and 1 more transcripts); c.1049C>T, p.Thr350Met (NM_001171610.2, NM_001171611.2); short protein forms T235M, T282M, T350M.
Identifiers: ClinVar variation 179020 (VCV000179020.12), dbSNP rs199811186, ClinGen allele CA183521.

ClinVar aggregate classification (germline): Uncertain significance. Review status: criteria provided, multiple submitters, no conflicts (2 of 4 stars). 4 submissions from 4 submitters: Uncertain significance (4). Last evaluated 2025-10-15.

Conditions:
Cardiovascular phenotype. Identifiers: MedGen CN230736.
Myofibrillar myopathy 4. Also called: Zaspopathy (type). Identifiers: Orphanet 98912, MedGen C4721886, MONDO:0012277, OMIM 609452.

Allele frequency attached by ClinVar (database versions not stated): gnomAD 0.00001; gnomAD exomes 0.00001 and 0.00002; ExAC 0.00002; TOPMed 0.00002; 1000 Genomes Project 30x 0.00016; 1000 Genomes Project 0.00020.
gnomAD v4.1: 21 of 1,614,062 alleles (0.0013%); highest among the groups gnomAD compares: East Asian, 0.022%; no homozygotes.

Submissions (4):

Labcorp Genetics (formerly Invitae), Labcorp
Classification: Uncertain significance for Myofibrillar myopathy 4. Last evaluated: 2025-10-15. Review status: criteria provided, single submitter. Criteria: Invitae Variant Classification Sherloc (09022015). Collection method: clinical testing. Allele origin: germline.
Comment: This sequence change replaces threonine, which is neutral and polar, with methionine, which is neutral and non-polar, at codon 235 of the LDB3 protein (p.Thr235Met). This variant is present in population databases (rs199811186, gnomAD 0.01%). This missense change has been observed in individual(s) with left ventricular non-compaction (PMID: 32183154). This variant is also known as c.845C>T, p.Thr282Met. ClinVar contains an entry for this variant (Variation ID: 179020). An algorithm developed to predict the effect of missense changes on protein structure and function (PolyPhen-2) suggests that this variant is likely to be disruptive. In summary, the available evidence is currently insufficient to determine the role of this variant in disease. Therefore, it has been classified as a Variant of Uncertain Significance.

Ambry Genetics
Classification: Uncertain significance for Cardiovascular phenotype. Last evaluated: 2024-03-29. Review status: criteria provided, single submitter. Criteria: Ambry Variant Classification Scheme 2023. Collection method: clinical testing. Allele origin: germline.
Comment: The p.T282M variant (also known as c.845C>T), located in coding exon 5 of the LDB3 gene, results from a C to T substitution at nucleotide position 845. The threonine at codon 282 is replaced by methionine, an amino acid with similar properties. This alteration has been reported in association with alcohol-induced cardiac toxicity, dilated cardiomyopathy (DCM) and left ventricular non-compaction (LVNC) (Ware JS et al. J Am Coll Cardiol, 2018 May;71:2293-2302; Mazzarotto F et al. Circulation, 2020 Feb;141:387-398; Hirono K et al. J Clin Med, 2020 Mar;9:). This amino acid position is highly conserved in available vertebrate species. In addition, this alteration is predicted to be deleterious by in silico analysis. Based on the available evidence, the clinical significance of this alteration remains unclear.

GeneDx
Classification: Uncertain significance. Last evaluated: 2021-03-08. Review status: criteria provided, single submitter. Criteria: GeneDx Variant Classification Process June 2021. Collection method: clinical testing. Allele origin: germline. Affected: yes.
Comment: Previously reported as T282M in a patient with left ventricular noncompaction in published literature (Hirono et al., 2020); Not observed at a significant frequency in large population cohorts (Lek et al., 2016); In silico analysis supports that this missense variant has a deleterious effect on protein structure/function; This variant is associated with the following publications: (PMID: 32183154)

Laboratory for Molecular Medicine, Mass General Brigham Personalized Medicine
Classification: Uncertain significance. Last evaluated: 2015-06-25. Review status: criteria provided, single submitter. Criteria: LMM Criteria. Collection method: clinical testing. Allele origin: germline. Observed: 2 variant alleles.
Comment: This variant has been identified in 2/10330 African chromos omes by the Exome Aggregation Consortium (ExAC; dbSNP rs199811186). Computational prediction tools and conservation analysis sug gest that this variant may impact the protein, though this information is not pr edictive enough to determine pathogenicity. In summary, the clinical significanc e of the p.Thr282Met variant is uncertain.

Literature cited by the submitters: PubMed 32183154 (cited by Labcorp Genetics (formerly Invitae), Labcorp and Ambry Genetics); PubMed 29773157 (cited by Ambry Genetics); PubMed 31983221 (cited by Ambry Genetics).